The following is an entry in ClinVar:

ClinVar aggregate classification (germline): Likely benign. Review status: criteria provided, multiple submitters, no conflicts (2 of 4 stars). 2 submissions from 2 submitters: Likely benign (2). Last evaluated 2026-07-21.

Conditions:
SCP2-related disorder. Also called: SCP2-related condition.

Allele frequency attached by ClinVar (database versions not stated): gnomAD exomes below 0.00001.
gnomAD v4.1: 5 of 1,613,704 alleles (0.00031%); highest among the groups gnomAD compares: Non-Finnish European, 0.00025%; no homozygotes.

Submissions (2):

PreventionGenetics, part of Exact Sciences
Classification: Likely benign for SCP2-related condition. Last evaluated: 2026-07-21. Review status: criteria provided, single submitter. Criteria: ACMG Guidelines, 2015. Collection method: clinical testing. Allele origin: germline.
Comment: This variant is classified as likely benign based on ACMG/AMP sequence variant interpretation guidelines (Richards et al. 2015 PMID: 25741868, with internal and published modifications).

Labcorp Genetics (formerly Invitae), Labcorp
Classification: Likely benign. Last evaluated: 2023-10-06. Review status: criteria provided, single submitter. Criteria: Invitae Variant Classification Sherloc (09022015). Collection method: clinical testing. Allele origin: germline.

NM_002979.5(SCP2):c.1235+7G>A

Gene: SCP2 (sterol carrier protein 2; plus strand). Cytogenetic location: 1p32.3.
Variant type: single nucleotide variant.
Coding change: c.1235+7G>A on transcript NM_002979.5 (MANE Select); 7 bases into the intron after coding-DNA position 1235, G replaced by A.
Molecular consequence: intron variant.
Genome position (GRCh38, 1-based): chr1:53,015,050, G>A. VCF-style: chr1-53015050-G-A. GRCh37 (hg19) VCF-style: chr1-53480722-G-A.
Other names: c.1235+7G>A (NM_002979.4); c.1103+7G>A (NM_001193600.2); c.1163+7G>A (NM_001193599.2); c.992+7G>A (NM_001193617.2); c.23+7G>A (NM_001007099.3, NM_001007250.3, NM_001007100.3).
Identifiers: ClinVar variation 3009895 (VCV003009895.4), dbSNP rs1215300184, ClinGen allele CA522906010.